The following is an entry in ClinVar:

NM_000535.7(PMS2):c.23+19C>G

Gene: PMS2 (PMS1 homolog 2, mismatch repair system component; minus strand). Cytogenetic location: 7p22.1.
Variant type: single nucleotide variant.
Coding change: c.23+19C>G on transcript NM_000535.7 (MANE Select); 19 bases into the intron after coding-DNA position 23, C replaced by G.
Molecular consequence: intron variant. On other transcripts: 5 prime UTR variant (2).
Genome position (GRCh38, 1-based): chr7:6,008,978, G>C on the plus strand (C>G on the coding strand, the complement: PMS2 is on the minus strand). VCF-style: chr7-6008978-G-C. GRCh37 (hg19) VCF-style: chr7-6048609-G-C.
Other names: c.-554C>G (NM_001322005.2); c.-549C>G (NM_001322009.2); c.-53+19C>G (NM_001322008.2); c.-243+19C>G (NM_001322010.2, NM_001322004.2); c.-378+19C>G (NM_001322013.2, NM_001322003.2); c.-857+19C>G (NM_001322012.2); c.-457+19C>G (NM_001322015.2); c.-193+19C>G (NM_001322007.2); and 2 more.
Identifiers: ClinVar variation 378382 (VCV000378382.8), dbSNP rs756178012, ClinGen allele CA16605130.

ClinVar aggregate classification (germline): Likely benign. Review status: criteria provided, multiple submitters, no conflicts (2 of 4 stars). 2 submissions from 2 submitters: Likely benign (2). Last evaluated 2026-01-06.

Conditions:
Hereditary nonpolyposis colorectal neoplasms. Identifiers: MedGen C0009405, MeSH D003123.

Allele frequency attached by ClinVar (database versions not stated): gnomAD 0.00003; TOPMed 0.00003.

Submissions (2):

Labcorp Genetics (formerly Invitae), Labcorp
Classification: Likely benign for Hereditary nonpolyposis colorectal neoplasms. Last evaluated: 2026-01-06. Review status: criteria provided, single submitter. Criteria: Invitae Variant Classification Sherloc (09022015). Collection method: clinical testing. Allele origin: germline.

GeneDx
Classification: Likely benign. Last evaluated: 2016-03-15. Review status: criteria provided, single submitter. Criteria: GeneDx Variant Classification (06012015). Collection method: clinical testing. Allele origin: germline. Affected: yes.
Comment: This variant is considered likely benign or benign based on one or more of the following criteria: it is a conservative change, it occurs at a poorly conserved position in the protein, it is predicted to be benign by multiple in silico algorithms, and/or has population frequency not consistent with disease.